The following is an entry in ClinVar:

NM_004329.3(BMPR1A):c.333+6A>G

Gene: BMPR1A (bone morphogenetic protein receptor type 1A; plus strand). Cytogenetic location: 10q23.2.
Variant type: single nucleotide variant.
Coding change: c.333+6A>G on transcript NM_004329.3 (MANE Select); 6 bases into the intron after coding-DNA position 333, A replaced by G.
Molecular consequence: intron variant.
Genome position (GRCh38, 1-based): chr10:86,892,235, A>G. VCF-style: chr10-86892235-A-G. GRCh37 (hg19) VCF-style: chr10-88651992-A-G.
Identifiers: ClinVar variation 936261 (VCV000936261.10), dbSNP rs1473659802, ClinGen allele CA1139661551.

ClinVar aggregate classification (germline): Uncertain significance (1 of 4 stars; one submission).

Conditions:
Juvenile polyposis syndrome (JPS). Identifiers: Orphanet 2929, MedGen C0345893, MONDO:0017380, OMIM 174900.

Submission:

Labcorp Genetics (formerly Invitae), Labcorp
Classification: Uncertain significance for Juvenile polyposis syndrome. Last evaluated: 2019-05-12. Review status: criteria provided, single submitter. Criteria: Invitae Variant Classification Sherloc (09022015). Collection method: clinical testing. Allele origin: germline.
Comment: This variant is not present in population databases (ExAC no frequency). In summary, the available evidence is currently insufficient to determine the role of this variant in disease. Therefore, it has been classified as a Variant of Uncertain Significance. Nucleotide substitutions within the consensus splice site are a relatively common cause of aberrant splicing (PMID: 17576681, 9536098). Algorithms developed to predict the effect of sequence changes on RNA splicing suggest that this variant may create or strengthen a splice site, but this prediction has not been confirmed by published transcriptional studies. This variant has not been reported in the literature in individuals with BMPR1A-related conditions. This sequence change falls in intron 5 of the BMPR1A gene. It does not directly change the encoded amino acid sequence of the BMPR1A protein, but it affects a nucleotide within the consensus splice site of the intron.

Literature cited by the submitters: PubMed 17576681; PubMed 9536098.